The following is an entry in ClinVar:

ClinVar aggregate classification (germline): Uncertain significance. Review status: criteria provided, multiple submitters, no conflicts (2 of 4 stars). 2 submissions from 2 submitters: Uncertain significance (2). Last evaluated 2022-08-02.

Conditions:
Camptomelic dysplasia (CMPD). Also called: Campomelic Dysplasia; CMPD1/SRA1. Identifiers: Orphanet 140, MedGen C1861922, MONDO:0007251, OMIM 114290.

Allele frequency attached by ClinVar (database versions not stated): gnomAD exomes below 0.00001; gnomAD 0.00002; TOPMed 0.00002.

Submissions (2):

Labcorp Genetics (formerly Invitae), Labcorp
Classification: Uncertain significance for Camptomelic dysplasia. Last evaluated: 2022-08-02. Review status: criteria provided, single submitter. Criteria: Invitae Variant Classification Sherloc (09022015). Collection method: clinical testing. Allele origin: germline.
Comment: This sequence change replaces serine, which is neutral and polar, with asparagine, which is neutral and polar, at codon 322 of the SOX9 protein (p.Ser322Asn). The frequency data for this variant in the population databases is considered unreliable, as metrics indicate poor data quality at this position in the gnomAD database. This variant has not been reported in the literature in individuals affected with SOX9-related conditions. ClinVar contains an entry for this variant (Variation ID: 450200). Advanced modeling of protein sequence and biophysical properties (such as structural, functional, and spatial information, amino acid conservation, physicochemical variation, residue mobility, and thermodynamic stability) performed at Invitae indicates that this missense variant is not expected to disrupt SOX9 protein function. In summary, the available evidence is currently insufficient to determine the role of this variant in disease. Therefore, it has been classified as a Variant of Uncertain Significance.

GeneDx
Classification: Uncertain significance. Last evaluated: 2017-07-07. Review status: criteria provided, single submitter. Criteria: GeneDx Variant Classification (06012015). Collection method: clinical testing. Allele origin: germline. Affected: yes.
Comment: The S322N variant in the SOX9 gene has not been reported previously as a pathogenic variant, nor as a benign variant, to our knowledge. The S322N variant is not observed in large population cohorts (Lek et al., 2016; 1000 Genomes Consortium et al., 2015; Exome Variant Server). The S322N variant is a conservative amino acid substitution, which is not likely to impact secondary protein structure as these residues share similar properties. This substitution occurs at a position that is not conserved. In silico analysis is inconsistent in its predictions as to whether or not the variant is damaging to the protein structure/function. We interpret S322N as a variant of uncertain significance.

NM_000346.4(SOX9):c.965G>A (p.Ser322Asn)

Gene: SOX9 (SRY-box transcription factor 9; plus strand). Cytogenetic location: 17q24.3.
Variant type: single nucleotide variant.
Coding change: c.965G>A on transcript NM_000346.4 (MANE Select); coding-DNA position 965, G replaced by A.
Protein change: p.Ser322Asn; replaces serine 322 with asparagine.
Molecular consequence: missense variant.
Genome position (GRCh38, 1-based): chr17:72,123,822, G>A. VCF-style: chr17-72123822-G-A. GRCh37 (hg19) VCF-style: chr17-70119963-G-A.
Other names: short protein forms S322N.
Identifiers: ClinVar variation 450200 (VCV000450200.11), dbSNP rs1239456905, ClinGen allele CA400867430.